The following is an entry in ClinVar:

NM_001904.4(CTNNB1):c.2217G>A (p.Met739Ile)

Gene: CTNNB1 (catenin beta 1; plus strand). Cytogenetic location: 3p22.1.
Variant type: single nucleotide variant.
Coding change: c.2217G>A on transcript NM_001904.4 (MANE Select); coding-DNA position 2217, G replaced by A.
Protein change: p.Met739Ile; replaces methionine 739 with isoleucine.
Molecular consequence: missense variant.
Genome position (GRCh38, 1-based): chr3:41,239,213, G>A. VCF-style: chr3-41239213-G-A. GRCh37 (hg19) VCF-style: chr3-41280704-G-A.
Other names: c.2217G>A, p.Met739Ile (NM_001098209.2, NM_001098210.2); c.2196G>A, p.Met732Ile (NM_001330729.2); short protein forms M739I, M732I.
Identifiers: ClinVar variation 1402895 (VCV001402895.6), dbSNP rs768746130, ClinGen allele CA2331313.

ClinVar aggregate classification (germline): Uncertain significance (1 of 4 stars; one submission).

Allele frequency attached by ClinVar (database versions not stated): gnomAD 0.00001 and 0.00002; TOPMed 0.00003; ExAC 0.00004; gnomAD exomes 0.00004 and 0.00006.
gnomAD v4.1: 89 of 1,614,084 alleles (0.0055%); highest among the groups gnomAD compares: East Asian, 0.19%; 1 homozygote.

Submission:

Labcorp Genetics (formerly Invitae), Labcorp
Classification: Uncertain significance. Last evaluated: 2024-05-08. Review status: criteria provided, single submitter. Criteria: Invitae Variant Classification Sherloc (09022015). Collection method: clinical testing. Allele origin: germline.
Comment: This sequence change replaces methionine, which is neutral and non-polar, with isoleucine, which is neutral and non-polar, at codon 739 of the CTNNB1 protein (p.Met739Ile). This variant is present in population databases (rs768746130, gnomAD 0.04%). This variant has not been reported in the literature in individuals affected with CTNNB1-related conditions. ClinVar contains an entry for this variant (Variation ID: 1402895). An algorithm developed to predict the effect of missense changes on protein structure and function (PolyPhen-2) suggests that this variant is likely to be tolerated. In summary, the available evidence is currently insufficient to determine the role of this variant in disease. Therefore, it has been classified as a Variant of Uncertain Significance.